The following is an entry in ClinVar:

ClinVar aggregate classification (germline): Uncertain significance. Review status: criteria provided, multiple submitters, no conflicts (2 of 4 stars). 2 submissions from 2 submitters: Uncertain significance (2). Last evaluated 2025-11-28.

Conditions:
Multiple endocrine neoplasia, type 2 (MEN2). Identifiers: Orphanet 653, MedGen C4048306, MONDO:0019003. Disease mechanism: gain of function.
Hereditary cancer-predisposing syndrome. Also called: Neoplastic Syndromes, Hereditary; Tumor predisposition; Hereditary Cancer Syndrome; Hereditary neoplastic syndrome. Identifiers: Orphanet 140162, MedGen C0027672, MeSH D009386, MONDO:0015356.

Allele frequency attached by ClinVar (database versions not stated): TOPMed below 0.00001; gnomAD 0.00001.
gnomAD v4.1: 3 of 1,612,916 alleles (0.00019%); highest among the groups gnomAD compares: African/African-American, 0.0013%; no homozygotes.

Submissions (2):

Ambry Genetics
Classification: Uncertain significance for Hereditary cancer-predisposing syndrome. Last evaluated: 2025-11-28. Review status: criteria provided, single submitter. Criteria: Ambry Variant Classification Scheme 2023. Collection method: clinical testing. Allele origin: germline.
Comment: The p.S688F variant (also known as c.2063C>T), located in coding exon 11 of the RET gene, results from a C to T substitution at nucleotide position 2063. The serine at codon 688 is replaced by phenylalanine, an amino acid with highly dissimilar properties. This variant was reported in a patient with bilateral multicystic renal dysplasia and was inherited from an unaffected father (Heidet L et al. J Am Soc Nephrol, 2017 Oct;28:2901-2914). This amino acid position is well conserved in available vertebrate species. In addition, the in silico prediction for this alteration is inconclusive. Since supporting evidence is limited at this time, the clinical significance of this alteration remains unclear.

Labcorp Genetics (formerly Invitae), Labcorp
Classification: Uncertain significance for Multiple endocrine neoplasia, type 2. Last evaluated: 2024-08-18. Review status: criteria provided, single submitter. Criteria: Invitae Variant Classification Sherloc (09022015). Collection method: clinical testing. Allele origin: germline.
Comment: This sequence change replaces serine, which is neutral and polar, with phenylalanine, which is neutral and non-polar, at codon 688 of the RET protein (p.Ser688Phe). This variant is not present in population databases (gnomAD no frequency). This missense change has been observed in individual(s) with bilateral multicystic renal dysplasia (PMID: 28566479). ClinVar contains an entry for this variant (Variation ID: 651776). An algorithm developed to predict the effect of missense changes on protein structure and function (PolyPhen-2) suggests that this variant is likely to be disruptive. In summary, the available evidence is currently insufficient to determine the role of this variant in disease. Therefore, it has been classified as a Variant of Uncertain Significance.

Literature cited by the submitters: PubMed 28566479 (cited by Ambry Genetics and Labcorp Genetics (formerly Invitae), Labcorp).

NM_020975.6(RET):c.2063C>T (p.Ser688Phe)

Gene: RET (ret proto-oncogene; plus strand). Cytogenetic location: 10q11.21.
Variant type: single nucleotide variant.
Coding change: c.2063C>T on transcript NM_020975.6 (MANE Select); coding-DNA position 2063, C replaced by T.
Protein change: p.Ser688Phe; replaces serine 688 with phenylalanine.
Molecular consequence: missense variant.
Genome position (GRCh38, 1-based): chr10:43,114,663, C>T. VCF-style: chr10-43114663-C-T. GRCh37 (hg19) VCF-style: chr10-43610111-C-T.
Other names: c.2063C>T, p.Ser688Phe (NM_000323.2, NM_001406743.1, NM_001406744.1 and 4 more transcripts); c.1301C>T, p.Ser434Phe (NM_001355216.2); c.1934C>T, p.Ser645Phe (NM_001406761.1, NM_001406762.1, NM_001406764.1); c.1928C>T, p.Ser643Phe (NM_001406763.1, NM_001406765.1); c.1775C>T, p.Ser592Phe (NM_001406766.1, NM_001406767.1, NM_001406770.1); c.1799C>T, p.Ser600Phe (NM_001406768.1); c.1667C>T, p.Ser556Phe (NM_001406769.1, NM_001406772.1); c.1625C>T, p.Ser542Phe (NM_001406771.1, NM_001406773.1); and 10 more; short protein forms S434F, S688F, S389F, S446F, S542F, S205F, S253F, S344F.
Identifiers: ClinVar variation 651776 (VCV000651776.12), dbSNP rs1588874330, ClinGen allele CA376553239.
Genomic context (GRCh38, chr10:43,114,663, plus strand): 5'-CCATCTCCTCAGCTGAGATGACCTTCCGGAGGCCCGCCCAGGCCTTCCCGGTCAGCTACT[C>T]CTCTTCCGGTGCCCGCCGGCCCTCGCTGGACTCCATGGAGAACCAGGTCTCCGTGGATGC-3'
Protein context (NP_066124.1, residues 678-698): RPAQAFPVSY[Ser688Phe]SSGARRPSLD